The following is an entry in ClinVar:

NM_002691.4(POLD1):c.3218+1G>T

Gene: POLD1 (DNA polymerase delta 1, catalytic subunit; plus strand). Cytogenetic location: 19q13.33.
Variant type: single nucleotide variant.
Coding change: c.3218+1G>T on transcript NM_002691.4 (MANE Select); the canonical splice donor site of the intron after coding-DNA position 3218, G replaced by T.
Molecular consequence: splice donor variant.
Genome position (GRCh38, 1-based): chr19:50,417,270, G>T. VCF-style: chr19-50417270-G-T. GRCh37 (hg19) VCF-style: chr19-50920527-G-T.
Other names: c.3218+1G>T (NM_001256849.1); c.3296+1G>T (NM_001308632.1).
Identifiers: ClinVar variation 2052382 (VCV002052382.4), dbSNP rs1484837283, ClinGen allele CA406987586.

ClinVar aggregate classification (germline): Uncertain significance (1 of 4 stars; one submission).

Conditions:
POLD1-related polyposis and colorectal cancer syndrome (CRCS10). Also called: Colorectal cancer 10; COLORECTAL CANCER, SUSCEPTIBILITY TO, ON CHROMOSOME 19q; Colorectal cancer, susceptibility to, 10. Identifiers: Orphanet 220460, MedGen C2675481, MONDO:0012953, OMIM 612591.

Submission:

Labcorp Genetics (formerly Invitae), Labcorp
Classification: Uncertain significance for POLD1-related polyposis and colorectal cancer syndrome. Last evaluated: 2022-03-27. Review status: criteria provided, single submitter. Criteria: Invitae Variant Classification Sherloc (09022015). Collection method: clinical testing. Allele origin: germline.
Comment: This sequence change falls in intron 26 of the POLD1 gene. It does not directly change the encoded amino acid sequence of the POLD1 protein. It affects a nucleotide within the consensus splice site. In summary, the available evidence is currently insufficient to determine the role of this variant in disease. Therefore, it has been classified as a Variant of Uncertain Significance. Variants that disrupt the consensus splice site are a relatively common cause of aberrant splicing (PMID: 17576681, 9536098). Algorithms developed to predict the effect of sequence changes on RNA splicing suggest that this variant may disrupt the consensus splice site. This variant has not been reported in the literature in individuals affected with POLD1-related conditions. This variant is not present in population databases (gnomAD no frequency).

Literature cited by the submitters: PubMed 17576681; PubMed 9536098.